The following is an entry in ClinVar:

ClinVar aggregate classification (germline): Pathogenic (1 of 4 stars; one submission).

Conditions:
LAMA2-related muscular dystrophy (LAMA2-RD). Also called: Laminin alpha 2-related dystrophy. Identifiers: MedGen C5679788, MONDO:0100228.

Submission:

Labcorp Genetics (formerly Invitae), Labcorp
Classification: Pathogenic for LAMA2-related muscular dystrophy. Last evaluated: 2020-05-26. Review status: criteria provided, single submitter. Criteria: Invitae Variant Classification Sherloc (09022015). Collection method: clinical testing. Allele origin: germline.
Comment: This sequence change creates a premature translational stop signal (p.Leu681*) in the LAMA2 gene. It is expected to result in an absent or disrupted protein product. This variant is not present in population databases (ExAC no frequency). This variant has not been reported in the literature in individuals with LAMA2-related conditions. Algorithms developed to predict the effect of sequence changes on RNA splicing suggest that this variant may create or strengthen a splice site, but this prediction has not been confirmed by published transcriptional studies. Loss-of-function variants in LAMA2 are known to be pathogenic (PMID: 18700894). For these reasons, this variant has been classified as Pathogenic.

Literature cited by the submitters: PubMed 18700894.

NM_000426.4(LAMA2):c.2042T>A (p.Leu681Ter)

Gene: LAMA2 (laminin subunit alpha 2; plus strand). Cytogenetic location: 6q22.33.
Variant type: single nucleotide variant.
Coding change: c.2042T>A on transcript NM_000426.4 (MANE Select); coding-DNA position 2042, T replaced by A.
Protein change: p.Leu681Ter; replaces leucine 681 with a stop codon.
Molecular consequence: nonsense.
Genome position (GRCh38, 1-based): chr6:129,252,241, T>A. VCF-style: chr6-129252241-T-A. GRCh37 (hg19) VCF-style: chr6-129573386-T-A.
Other names: c.2042T>A, p.Leu681Ter (NM_001079823.2); short protein forms L681*.
Identifiers: ClinVar variation 1072322 (VCV001072322.7), dbSNP rs1786309286, ClinGen allele CA365610521.